The following is an entry in ClinVar:

NM_005359.6(SMAD4):c.790A>G (p.Ser264Gly)

Gene: SMAD4 (SMAD family member 4; plus strand). Cytogenetic location: 18q21.2.
Variant type: single nucleotide variant.
Coding change: c.790A>G on transcript NM_005359.6 (MANE Select); coding-DNA position 790, A replaced by G.
Protein change: p.Ser264Gly; replaces serine 264 with glycine.
Molecular consequence: missense variant.
Genome position (GRCh38, 1-based): chr18:51,058,342, A>G. VCF-style: chr18-51058342-A-G. GRCh37 (hg19) VCF-style: chr18-48584712-A-G.
Other names: p.S264G:AGC>GGC; short protein forms S264G.
Identifiers: ClinVar variation 127951 (VCV000127951.7), dbSNP rs587780125, ClinGen allele CA288123.
Genomic context (GRCh38, chr18:51,058,342, plus strand): 5'-GAAAAAAGTAGGCAGCCTTTATAAAAGCAAATTAACCCATGTGGGCCTTAATTTTTAGAC[A>G]GCACTACCACCTGGACTGGAAGTAGGACTGCACCATACACACCTAATTTGCCTCACCACC-3'
Protein context (NP_005350.1, residues 254-274): TGQPATYHHN[Ser264Gly]TTTWTGSRTA

ClinVar aggregate classification (germline): Uncertain significance. Review status: criteria provided, multiple submitters, no conflicts (2 of 4 stars). 3 submissions from 3 submitters: Uncertain significance (3). Last evaluated 2024-01-11.

Conditions:
Familial thoracic aortic aneurysm and aortic dissection (TAAD). Also called: Thoracic aortic aneurysms and dissections. Identifiers: Orphanet 91387, MedGen C4707243, MONDO:0019625.
Hereditary cancer-predisposing syndrome. Also called: Tumor predisposition; Hereditary Cancer Syndrome; Neoplastic Syndromes, Hereditary; Hereditary neoplastic syndrome. Identifiers: Orphanet 140162, MedGen C0027672, MeSH D009386, MONDO:0015356.
Juvenile polyposis syndrome (JPS). Identifiers: Orphanet 2929, MedGen C0345893, MONDO:0017380, OMIM 174900.

Submissions (3):

Labcorp Genetics (formerly Invitae), Labcorp
Classification: Uncertain significance for Juvenile polyposis syndrome. Last evaluated: 2024-01-11. Review status: criteria provided, single submitter. Criteria: Invitae Variant Classification Sherloc (09022015). Collection method: clinical testing. Allele origin: germline.
Comment: This sequence change replaces serine, which is neutral and polar, with glycine, which is neutral and non-polar, at codon 264 of the SMAD4 protein (p.Ser264Gly). This variant is not present in population databases (gnomAD no frequency). This variant has not been reported in the literature in individuals affected with SMAD4-related conditions. ClinVar contains an entry for this variant (Variation ID: 127951). An algorithm developed to predict the effect of missense changes on protein structure and function (PolyPhen-2) suggests that this variant is likely to be tolerated. In summary, the available evidence is currently insufficient to determine the role of this variant in disease. Therefore, it has been classified as a Variant of Uncertain Significance.

Ambry Genetics
Classification: Uncertain significance for Hereditary cancer-predisposing syndrome; Familial thoracic aortic aneurysm and aortic dissection. Last evaluated: 2021-04-22. Review status: criteria provided, single submitter. Criteria: Ambry Variant Classification Scheme 2023. Collection method: clinical testing. Allele origin: germline.
Comment: The p.S264G variant (also known as c.790A>G), located in coding exon 6 of the SMAD4 gene, results from an A to G substitution at nucleotide position 790. The serine at codon 264 is replaced by glycine, an amino acid with similar properties. This amino acid position is well conserved in available vertebrate species. In addition, this alteration is predicted to be tolerated by in silico analysis. Since supporting evidence is limited at this time, the clinical significance of this alteration remains unclear.

GeneDx
Classification: Uncertain significance. Last evaluated: 2014-02-19. Review status: criteria provided, single submitter. Criteria: GeneDx Variant Classification (06012015). Collection method: clinical testing. Allele origin: germline. Affected: yes.
Comment: This variant is denoted SMAD4 c.790A>G at the cDNA level, p.Ser264Gly (S264G) at the protein level, and results in the change of a Serine to a Glycine (AGC>GGC). This variant has not, to our knowledge, been published in the literature as pathogenic or benign. SMAD4 Ser264Gly was not observed in approximately 6,500 individuals of European and African American ancestry in the NHLBI Exome Sequencing Project, indicating it is not a common benign variant in these populations. This variant is a non-conservative substitution in which a neutral polar amino acid is replaced with a neutral non-polar one, altering a position that is well conserved throughout evolution and is not located in a known functional domain. In silico analyses are inconsistent with regard to the effect this variant may have on protein structure and function. Based on currently available information, it is unclear whether SMAD4 Ser264Gly is pathogenic or benign. We consider it to be a variant of uncertain significance.